The following is an entry in ClinVar:

NM_014946.4(SPAST):c.870+1del

Gene: SPAST (spastin; plus strand). Cytogenetic location: 2p22.3.
Variant type: Deletion.
Coding change: c.870+1del on transcript NM_014946.4 (MANE Select); the canonical splice donor site of the intron after coding-DNA position 870, one base deleted (G; older notation c.870+1delG).
Molecular consequence: splice donor variant.
Genome position (GRCh38, 1-based): chr2:32,114,826, G deleted; the last of 2 consecutive G bases (chr2:32,114,825-32,114,826); deleting either gives the same sequence. VCF-style (leftmost placement, unchanged base first): chr2-32114824-AG-A. GRCh37 (hg19) VCF-style: chr2-32339893-AG-A.
Other names: c.774+1del (NM_199436.2, NM_001377959.1); c.867+1del (NM_001363823.2); c.771+1del (NM_001363875.2).
Identifiers: ClinVar variation 4292803 (VCV004292803.1).

ClinVar aggregate classification (germline): Pathogenic (1 of 4 stars; one submission).

Conditions:
Hereditary spastic paraplegia 4. Also called: Spastic paraplegia 4, autosomal dominant; Familial spastic paraplegia autosomal dominant 2; Spastic Paraplegia 4. Identifiers: Orphanet 100985, MedGen C1866855, MONDO:0008438, OMIM 182601.

Submission:

3billion
Classification: Pathogenic for Hereditary spastic paraplegia 4. Last evaluated: 2024-07-24. Review status: criteria provided, single submitter. Criteria: ACMG Guidelines, 2015. Collection method: clinical testing. Allele origin: germline. Affected: yes.
Comment: The variant is not observed in the gnomAD v4.0.0 dataset. Predicted Consequence/Location: Frameshift: predicted to result in a loss or disruption of normal protein function through nonsense-mediated decay (NMD) or protein truncation. Multiple pathogenic variants are reported downstream of the variant. In silico tools predict the variant to alter splicing and produce an abnormal transcript [SpliceAI: 0.94 (spliceogenicity >=0.2, non-spliceogenicity <0.1)]. The variant has been reported to be associated with SPAST-related disorder (PMID: 23833562). Therefore, this variant is classified as Pathogenic according to the recommendation of ACMG/AMP guideline.

Literature cited by the submitters: PubMed 23833562.